The following is an entry in ClinVar:

ClinVar aggregate classification (germline): Pathogenic (1 of 4 stars; one submission).

Conditions:
Nephronophthisis. Also called: Juvenile Nephronophthisis. Identifiers: Orphanet 655, MedGen C0687120, MONDO:0019005, HP:0000090.

Allele frequency attached by ClinVar (database versions not stated): gnomAD exomes below 0.00001.

Submission:

Labcorp Genetics (formerly Invitae), Labcorp
Classification: Pathogenic for Nephronophthisis. Last evaluated: 2022-05-19. Review status: criteria provided, single submitter. Criteria: Invitae Variant Classification Sherloc (09022015). Collection method: clinical testing. Allele origin: germline.
Comment: This sequence change creates a premature translational stop signal (p.Pro86Leufs*6) in the NPHP4 gene. It is expected to result in an absent or disrupted protein product. Loss-of-function variants in NPHP4 are known to be pathogenic (PMID: 12205563, 23559409). For these reasons, this variant has been classified as Pathogenic. This premature translational stop signal has been observed in individual(s) with nephronophthisis (PMID: 23559409). This variant is not present in population databases (gnomAD no frequency).

Literature cited by the submitters: PubMed 12205563; PubMed 23559409.

NM_015102.5(NPHP4):c.257_258del (p.Pro86fs)

Gene: NPHP4 (nephrocystin 4; minus strand). Cytogenetic location: 1p36.31.
Variant type: Deletion.
Coding change: c.257_258del on transcript NM_015102.5 (MANE Select); coding-DNA positions 257 to 258, 2 bases deleted (CG; older notation c.257_258delCG).
Protein change: p.Pro86fs; shifts the reading frame from proline 86.
Molecular consequence: frameshift variant. On other transcripts: 5 prime UTR variant (1), non-coding transcript variant (1), intron variant (1).
Genome position (GRCh38, 1-based): chr1:5,978,291-5,978,292, CG deleted on the plus strand (CG on the coding strand, the reverse complement: NPHP4 is on the minus strand). VCF-style (leftmost placement, unchanged base first): chr1-5978290-ACG-A. GRCh37 (hg19) VCF-style: chr1-6038350-ACG-A.
Other names: c.-973_-972del (NM_001291593.2); c.-1087-9033_-1087-9032del (NM_001291594.2); short protein forms P86fs.
Identifiers: ClinVar variation 1913817 (VCV001913817.5), dbSNP rs1557880019, ClinGen allele CA916098576.